The following is an entry in ClinVar:

ClinVar aggregate classification (germline): Likely benign (0 of 4 stars; one submission).

Conditions:
ITPR2-related disorder. Also called: ITPR2-related condition.

Allele frequency attached by ClinVar (database versions not stated): gnomAD 0.00008; gnomAD exomes 0.00008; TOPMed 0.00008; ExAC 0.00012; ESP Exome Variant Server 0.00017.
gnomAD v4.1: 126 of 1,604,016 alleles (0.0079%); highest among the groups gnomAD compares: Middle Eastern, 0.016%; 1 homozygote.

Submission:

PreventionGenetics, part of Exact Sciences
Classification: Likely benign for ITPR2-related condition. Last evaluated: 2019-08-20. Review status: no assertion criteria provided. Collection method: clinical testing. Allele origin: germline.
Comment: This variant is classified as likely benign based on ACMG/AMP sequence variant interpretation guidelines (Richards et al. 2015 PMID: 25741868, with internal and published modifications).

NM_002223.4(ITPR2):c.3552+3C>T

Gene: ITPR2 (inositol 1,4,5-trisphosphate receptor type 2; minus strand). Cytogenetic location: 12p11.23.
Variant type: single nucleotide variant.
Coding change: c.3552+3C>T on transcript NM_002223.4 (MANE Select); 3 bases into the intron after coding-DNA position 3552, C replaced by T.
Molecular consequence: intron variant.
Genome position (GRCh38, 1-based): chr12:26,602,614, G>A on the plus strand (C>T on the coding strand, the complement: ITPR2 is on the minus strand). VCF-style: chr12-26602614-G-A. GRCh37 (hg19) VCF-style: chr12-26755547-G-A.
Other names: c.3549+3C>T (NM_001414174.1); c.3552+3C>T (NM_001414175.1).
Identifiers: ClinVar variation 3053351 (VCV003053351.2), dbSNP rs370950302, ClinGen allele CA6489268.